The following is an entry in ClinVar:

NM_006662.3(SRCAP):c.7236_7237del (p.Pro2413fs)

Gene: SRCAP (Snf2 related CREBBP activator protein; plus strand). Cytogenetic location: 16p11.2.
Variant type: Deletion.
Coding change: c.7236_7237del on transcript NM_006662.3 (MANE Select); coding-DNA positions 7236 to 7237, 2 bases deleted (TC; older notation c.7236_7237delTC).
Protein change: p.Pro2413fs; shifts the reading frame from proline 2413.
Molecular consequence: frameshift variant.
Genome position (GRCh38, 1-based): chr16:30,737,276-30,737,277, TC deleted; deleting any 2 consecutive bases within chr16:30,737,275-30,737,277 gives the same sequence; the c. name uses the placement nearest the transcript's 3' end. VCF-style (leftmost placement, unchanged base first): chr16-30737274-ACT-A. GRCh37 (hg19) VCF-style: chr16-30748595-ACT-A.
Other names: short protein forms P2413fs.
Identifiers: ClinVar variation 2444093 (VCV002444093.1), dbSNP rs2506726338, ClinGen allele CA2580091480.

ClinVar aggregate classification (germline): Likely pathogenic (1 of 4 stars; one submission).

Conditions:
Floating-Harbor syndrome (FLHS). Also called: SRCAP-Related Floating-Harbor Syndrome; Short stature with delayed bone age, expressive language delay, a triangular face with a prominent nose and deep-set eyes; Pelletier-Leisti syndrome. Identifiers: Orphanet 2044, MedGen C0729582, MONDO:0007621, OMIM 136140.

Submission:

3billion
Classification: Likely pathogenic for Floating-Harbor syndrome. Last evaluated: 2023-02-23. Review status: criteria provided, single submitter. Criteria: ACMG Guidelines, 2015. Collection method: clinical testing. Allele origin: unknown. Affected: yes.
Comment: The variant is not observed in the gnomAD v2.1.1 dataset. This variant was predicted to result in a loss or disruption of normal protein function through protein truncation. The predicted truncated protein may be shortened by more than 10%. Multiple pathogenic variants are reported downstream of the variant. Therefore, this variant is classified as Likely pathogenic according to the recommendation of ACMG/AMP guideline.